The following is an entry in ClinVar:

ClinVar aggregate classification (germline): Uncertain significance (1 of 4 stars; one submission).

Allele frequency attached by ClinVar (database versions not stated): gnomAD exomes below 0.00001 and 0.00001; TOPMed 0.00001.
gnomAD v4.1: 2 of 1,210,351 alleles (0.00017%); highest among the groups gnomAD compares: African/African-American, 0.0035%; no homozygotes.

Submission:

Labcorp Genetics (formerly Invitae), Labcorp
Classification: Uncertain significance. Last evaluated: 2018-08-31. Review status: criteria provided, single submitter. Criteria: Invitae Variant Classification Sherloc (09022015). Collection method: clinical testing. Allele origin: germline.
Comment: In summary, the available evidence is currently insufficient to determine the role of this variant in disease. Therefore, it has been classified as a Variant of Uncertain Significance. Algorithms developed to predict the effect of missense changes on protein structure and function are either unavailable or do not agree on the potential impact of this missense change (SIFT: "Deleterious"; PolyPhen-2: "Probably Damaging"; Align-GVGD: "Class C0"). This variant has not been reported in the literature in individuals with MSN-related disease. This variant is not present in population databases (ExAC no frequency). This sequence change replaces glutamic acid with alanine at codon 17 of the MSN protein (p.Glu17Ala). The glutamic acid residue is highly conserved and there is a moderate physicochemical difference between glutamic acid and alanine.

NM_002444.3(MSN):c.50A>C (p.Glu17Ala)

Gene: MSN (moesin; plus strand). Cytogenetic location: Xq12.
Variant type: single nucleotide variant.
Coding change: c.50A>C on transcript NM_002444.3 (MANE Select); coding-DNA position 50, A replaced by C.
Protein change: p.Glu17Ala; replaces glutamic acid 17 with alanine.
Molecular consequence: missense variant.
Genome position (GRCh38, 1-based): chrX:65,716,855, A>C. VCF-style: chrX-65716855-A-C. GRCh37 (hg19) VCF-style: chrX-64936717-A-C.
Other names: short protein forms E17A.
Identifiers: ClinVar variation 646636 (VCV000646636.8), dbSNP rs1280234284, ClinGen allele CA413414466.